The following is an entry in ClinVar:

NM_002485.5(NBN):c.1846C>A (p.Gln616Lys)

Genes: NBN (nibrin; minus strand), LOC126860438 (MED14-independent group 3 enhancer GRCh37_chr8:90959982-90961181; plus strand). Cytogenetic location: 8q21.3.
Variant type: single nucleotide variant.
Coding change: c.1846C>A on transcript NM_002485.5 (MANE Select); coding-DNA position 1846, C replaced by A.
Protein change: p.Gln616Lys; replaces glutamine 616 with lysine.
Molecular consequence: missense variant.
Genome position (GRCh38, 1-based): chr8:89,947,892, G>T on the plus strand (C>A on the coding strand, the complement: NBN is on the minus strand). VCF-style: chr8-89947892-G-T. GRCh37 (hg19) VCF-style: chr8-90960120-G-T.
Other names: c.1600C>A, p.Gln534Lys (NM_001024688.3); short protein forms Q534K, Q616K.
Identifiers: ClinVar variation 1190117 (VCV001190117.2), dbSNP rs1586043842, ClinGen allele CA371677326.

ClinVar aggregate classification (germline): Uncertain significance (1 of 4 stars; one submission).

Submission:

GeneDx
Classification: Uncertain significance. Last evaluated: 2019-05-14. Review status: criteria provided, single submitter. Criteria: GeneDx Variant Classification Process June 2021. Collection method: clinical testing. Allele origin: germline. Affected: yes.
Comment: Not observed in large population cohorts (Lek et al., 2016); In silico analysis, which includes protein predictors and evolutionary conservation, supports that this variant does not alter protein structure/function; Has not been previously published as pathogenic or benign to our knowledge